The following is an entry in ClinVar:

NM_058004.4(PI4KA):c.6142T>A (p.Cys2048Ser)

Gene: PI4KA (phosphatidylinositol 4-kinase alpha; minus strand). Cytogenetic location: 22q11.21.
Variant type: single nucleotide variant.
Coding change: c.6142T>A on transcript NM_058004.4 (MANE Select); coding-DNA position 6142, T replaced by A.
Protein change: p.Cys2048Ser; replaces cysteine 2048 with serine.
Molecular consequence: missense variant.
Genome position (GRCh38, 1-based): chr22:20,709,939, A>T on the plus strand (T>A on the coding strand, the complement: PI4KA is on the minus strand). VCF-style: chr22-20709939-A-T. GRCh37 (hg19) VCF-style: chr22-21064227-A-T.
Other names: c.6049T>A, p.Cys2017Ser (NM_001362862.2); c.6076T>A, p.Cys2026Ser (NM_001362863.2); short protein forms C2017S, C2026S, C2048S.
Identifiers: ClinVar variation 2633238 (VCV002633238.1), dbSNP rs2517975307, ClinGen allele CA410742646.

ClinVar aggregate classification (germline): Uncertain significance (1 of 4 stars; one submission).

Conditions:
PI4KA-related disorder. Also called: PI4KA-related condition; PI4KA-related disorders. Identifiers: MedGen CN378147, MONDO:1040012.

Submission:

PreventionGenetics, part of Exact Sciences
Classification: Uncertain significance for PI4KA-related condition. Last evaluated: 2023-05-02. Review status: criteria provided, single submitter. Criteria: ACMG Guidelines, 2015. Collection method: clinical testing. Allele origin: germline.
Comment: The PI4KA c.6142T>A variant is predicted to result in the amino acid substitution p.Cys2048Ser. To our knowledge, this variant has not been reported in the literature or in a large population database, indicating this variant is rare. At this time, the clinical significance of this variant is uncertain due to the absence of conclusive functional and genetic evidence.